The following is an entry in ClinVar:

NM_005534.4(IFNGR2):c.437T>C (p.Ile146Thr)

Gene: IFNGR2 (interferon gamma receptor 2; plus strand). Cytogenetic location: 21q22.11.
Variant type: single nucleotide variant.
Coding change: c.437T>C on transcript NM_005534.4 (MANE Select); coding-DNA position 437, T replaced by C.
Protein change: p.Ile146Thr; replaces isoleucine 146 with threonine.
Molecular consequence: missense variant.
Genome position (GRCh38, 1-based): chr21:33,426,908, T>C. VCF-style: chr21-33426908-T-C. GRCh37 (hg19) VCF-style: chr21-34799215-T-C.
Other names: c.494T>C, p.Ile165Thr (NM_001329128.2); short protein forms I165T, I146T.
Identifiers: ClinVar variation 2194697 (VCV002194697.2), dbSNP rs188848981, ClinGen allele CA10006942.
Genomic context (GRCh38, chr21:33,426,908, plus strand): 5'-TATGTGTGTGGTTTTCTCTTTGTAATTCTTTTTCAGTGACTGTCGGGCCTCCAGAAAACA[T>C]TGAGGTGACCCCAGGAGAAGGCTCCCTCATCATCAGGTTCTCCTCTCCCTTTGACATCGC-3'
Protein context (NP_005525.2, residues 136-156): RNVTVGPPEN[Ile146Thr]EVTPGEGSLI

ClinVar aggregate classification (germline): Uncertain significance. Review status: criteria provided, multiple submitters, no conflicts (2 of 4 stars). 2 submissions from 2 submitters: Uncertain significance (2). Last evaluated 2024-03-07.

Conditions:
Immunodeficiency 28 (IMD28). Also called: IFNGR2 DEFICIENCY. Identifiers: Orphanet 319547, Orphanet 319574, MedGen C4013947, MONDO:0013953, OMIM 614889.

Allele frequency attached by ClinVar (database versions not stated): gnomAD 0.00006; ESP Exome Variant Server 0.00008; TOPMed 0.00008; 1000 Genomes Project 0.00040; 1000 Genomes Project 30x 0.00047.
gnomAD v4.1: 104 of 1,613,776 alleles (0.0064%); highest among the groups gnomAD compares: African/African-American, 0.011%; no homozygotes.

Submissions (2):

Blueprint Genetics
Classification: Uncertain significance. Last evaluated: 2024-03-07. Review status: criteria provided, single submitter. Criteria: ACMG Guidelines, 2015. Collection method: clinical testing. Allele origin: germline.

Labcorp Genetics (formerly Invitae), Labcorp
Classification: Uncertain significance for Immunodeficiency 28. Last evaluated: 2022-05-28. Review status: criteria provided, single submitter. Criteria: Invitae Variant Classification Sherloc (09022015). Collection method: clinical testing. Allele origin: germline.
Comment: This sequence change replaces isoleucine, which is neutral and non-polar, with threonine, which is neutral and polar, at codon 146 of the IFNGR2 protein (p.Ile146Thr). This variant is present in population databases (rs188848981, gnomAD 0.006%). This variant has not been reported in the literature in individuals affected with IFNGR2-related conditions. Algorithms developed to predict the effect of missense changes on protein structure and function are either unavailable or do not agree on the potential impact of this missense change (SIFT: "Tolerated"; PolyPhen-2: "Probably Damaging"; Align-GVGD: "Class C0"). In summary, the available evidence is currently insufficient to determine the role of this variant in disease. Therefore, it has been classified as a Variant of Uncertain Significance.